The following is an entry in ClinVar:

NM_020774.4(MIB1):c.402-1G>A

Gene: MIB1 (MIB E3 ubiquitin protein ligase 1; plus strand). Cytogenetic location: 18q11.2.
Variant type: single nucleotide variant.
Coding change: c.402-1G>A on transcript NM_020774.4 (MANE Select); the canonical splice acceptor site of the intron before coding-DNA position 402, G replaced by A.
Molecular consequence: splice acceptor variant.
Genome position (GRCh38, 1-based): chr18:21,768,622, G>A. VCF-style: chr18-21768622-G-A. GRCh37 (hg19) VCF-style: chr18-19348583-G-A.
Identifiers: ClinVar variation 2633962 (VCV002633962.1), dbSNP rs2041190786, ClinGen allele CA401761446.

ClinVar aggregate classification (germline): Uncertain significance (1 of 4 stars; one submission).

Conditions:
MIB1-related disorder. Also called: MIB1-related condition.

Allele frequency attached by ClinVar (database versions not stated): gnomAD 0.00001.
gnomAD v4.1: 6 of 1,529,694 alleles (0.00039%); highest among the groups gnomAD compares: Admixed American, 0.002%; no homozygotes.

Submission:

PreventionGenetics, part of Exact Sciences
Classification: Uncertain significance for MIB1-related condition. Last evaluated: 2023-10-03. Review status: criteria provided, single submitter. Criteria: ACMG Guidelines, 2015. Collection method: clinical testing. Allele origin: germline.
Comment: The MIB1 c.402-1G>A variant is predicted to disrupt the AG splice acceptor site and interfere with normal splicing. To our knowledge, this variant has not been reported in the literature or in a large population database, indicating this variant is rare. Although we suspect that this variant may be pathogenic, at this time, the clinical significance of this variant is uncertain due to the absence of conclusive functional and genetic evidence.